The following is an entry in ClinVar:

ClinVar aggregate classification (germline): Uncertain significance (1 of 4 stars; one submission).

Conditions:
Inborn genetic diseases. Identifiers: MedGen C0950123, MeSH D030342.

Submission:

Ambry Genetics
Classification: Uncertain significance for Inborn genetic diseases. Last evaluated: 2026-08-31. Review status: criteria provided, single submitter. Criteria: Ambry Variant Classification Scheme 2023. Collection method: clinical testing. Allele origin: germline.
Comment: The p.S639R variant (also known as c.1917C>A), located in coding exon 8 of the MECOM gene, results from a C to A substitution at nucleotide position 1917. The serine at codon 639 is replaced by arginine, an amino acid with dissimilar properties. This amino acid position is conserved. In addition, this alteration is predicted to be tolerated by in silico analysis. Based on the available evidence, the clinical significance of this variant remains unclear.

NM_004991.4(MECOM):c.1917C>A (p.Ser639Arg)

Gene: MECOM (MDS1 and EVI1 complex locus; minus strand). Cytogenetic location: 3q26.2.
Variant type: single nucleotide variant.
Coding change: c.1917C>A on transcript NM_004991.4 (MANE Select); coding-DNA position 1917, C replaced by A.
Protein change: p.Ser639Arg; replaces serine 639 with arginine.
Molecular consequence: missense variant. On other transcripts: intron variant (2).
Genome position (GRCh38, 1-based): chr3:169,115,955, G>T on the plus strand (C>A on the coding strand, the complement: MECOM is on the minus strand). VCF-style: chr3-169115955-G-T. GRCh37 (hg19) VCF-style: chr3-168833743-G-T.
Other names: c.1548C>A, p.Ser516Arg (NM_001105077.4); c.1353C>A, p.Ser451Arg (NM_001105078.4, NM_001164000.2, NM_001205194.2 and 4 more transcripts); c.1356C>A, p.Ser452Arg (NM_001163999.2, NM_001366467.2, NM_001366468.2 and 1 more transcripts); c.1917C>A, p.Ser639Arg (NM_001366466.2); c.1133-188C>A (NM_001366473.2); c.569-188C>A (NM_001366474.2); short protein forms S452R, S639R, S451R, S516R.
Identifiers: ClinVar variation 5024201 (VCV005024201.1).